The following is an entry in ClinVar:

ClinVar aggregate classification (germline): Uncertain significance. Review status: criteria provided, multiple submitters, no conflicts (2 of 4 stars). 2 submissions from 2 submitters: Uncertain significance (2). Last evaluated 2024-10-28.

Conditions:
Pancreatic adenocarcinoma. Identifiers: MedGen C0281361, MONDO:0006047, HP:0006725.

Allele frequency attached by ClinVar (database versions not stated): ExAC 0.00002; gnomAD 0.00002; TOPMed 0.00002.
gnomAD v4.1: 28 of 1,613,620 alleles (0.0017%); highest among the groups gnomAD compares: Non-Finnish European, 0.0023%; no homozygotes.

Submissions (3):

Ambry Genetics
Classification: Uncertain significance. Last evaluated: 2024-10-28. Review status: criteria provided, single submitter. Criteria: Ambry Variant Classification Scheme 2023. Collection method: clinical testing. Allele origin: germline.
Comment: The p.Q857R variant (also known as c.2570A>G), located in coding exon 13 of the PALLD gene, results from an A to G substitution at nucleotide position 2570. The glutamine at codon 857 is replaced by arginine, an amino acid with highly similar properties. This amino acid position is conserved. In addition, the in silico prediction for this alteration is inconclusive. Since supporting evidence is limited at this time, the clinical significance of this alteration remains unclear.

Labcorp Genetics (formerly Invitae), Labcorp
Classification: Uncertain significance for Pancreatic adenocarcinoma. Last evaluated: 2023-09-12. Review status: criteria provided, single submitter. Criteria: Invitae Variant Classification Sherloc (09022015). Collection method: clinical testing. Allele origin: germline.
Comment: In summary, the available evidence is currently insufficient to determine the role of this variant in disease. Therefore, it has been classified as a Variant of Uncertain Significance. An algorithm developed to predict the effect of missense changes on protein structure and function (PolyPhen-2) suggests that this variant is likely to be tolerated. ClinVar contains an entry for this variant (Variation ID: 216531). This variant has not been reported in the literature in individuals affected with PALLD-related conditions. This variant is present in population databases (rs761530979, gnomAD 0.005%). This sequence change replaces glutamine, which is neutral and polar, with arginine, which is basic and polar, at codon 370 of the PALLD protein (p.Gln370Arg).

Dr. Peter K. Rogan Lab, Western University
No classification provided (evidence only). Condition: Cervical cancer. Review status: no classification provided. Collection method: in vitro. Allele origin: not applicable. Functional consequence: retained intron. Not counted in ClinVar's aggregate classification.

NM_001166108.2(PALLD):c.2621A>G (p.Gln874Arg)

Genes: CBR4 (carbonyl reductase 4; minus strand), PALLD (palladin, cytoskeletal associated protein; plus strand). Cytogenetic location: 4q32.3.
Variant type: single nucleotide variant.
Coding change: c.2621A>G on transcript NM_001166108.2 (MANE Select); coding-DNA position 2621, A replaced by G.
Protein change: p.Gln874Arg; replaces glutamine 874 with arginine.
Molecular consequence: missense variant.
Genome position (GRCh38, 1-based): chr4:168,903,905, A>G. VCF-style: chr4-168903905-A-G. GRCh37 (hg19) VCF-style: chr4-169825056-A-G.
Other names: c.1424A>G, p.Gln475Arg (NM_001166109.2); c.1109A>G, p.Gln370Arg (NM_001166110.2); c.449A>G, p.Gln150Arg (NM_001367567.1, NM_001367569.1); c.500A>G, p.Gln167Arg (NM_001367568.1, NM_001367570.1); c.2570A>G, p.Gln857Arg (NM_016081.4); short protein forms Q370R, Q857R, Q150R, Q167R, Q475R, Q874R.
Identifiers: ClinVar variation 216531 (VCV000216531.15), dbSNP rs761530979, ClinGen allele CA336827.